The following is an entry in ClinVar:

ClinVar aggregate classification (germline): Likely benign. Review status: reviewed by expert panel (3 of 4 stars). 4 submissions from 4 submitters: Likely benign (1). 3 of the submissions do not count toward it. Last evaluated 2017-06-29.

Conditions:
Hereditary cancer-predisposing syndrome. Also called: Hereditary Cancer Syndrome; Tumor predisposition; Hereditary neoplastic syndrome; Neoplastic Syndromes, Hereditary. Identifiers: Orphanet 140162, MedGen C0027672, MeSH D009386, MONDO:0015356.
Breast-ovarian cancer, familial, susceptibility to, 2 (BROVCA2). Also called: BRCA2 Hereditary Breast and Ovarian Cancer. Identifiers: Orphanet 145, MedGen C2675520, MONDO:0012933, OMIM 612555. Disease mechanism: loss of function.
Hereditary breast ovarian cancer syndrome. Also called: Hereditary breast and ovarian cancer syndrome; Hereditary breast and/or ovarian cancer syndrome; Hereditary breast and ovarian cancer syndrome (HBOC); Hereditary breast and ovarian cancer; Breast and ovarian cancer; BRCA1- and BRCA2-Associated Hereditary Breast and Ovarian Cancer. Identifiers: Orphanet 145, MedGen C0677776, MeSH D061325, MONDO:0003582. Disease mechanism: loss of function.

Allele frequency attached by ClinVar (database versions not stated): ExAC 0.00001.
gnomAD v4.1: 1 of 1,613,460 alleles (0.000062%); highest among the groups gnomAD compares: East Asian, 0.0022%; no homozygotes.

Submissions (4):

Evidence-based Network for the Interpretation of Germline Mutant Alleles (ENIGMA)
Classification: Likely benign for Breast-ovarian cancer, familial, susceptibility to, 2. Last evaluated: 2017-06-29. Review status: reviewed by expert panel. Criteria: ENIGMA BRCA1/2 Classification Criteria (2017-06-29). Collection method: curation. Allele origin: germline.
Comment: Synonymous substitution variant, with low bioinformatic likelihood to result in a splicing aberration (Splicing prior probability 0.02).

Ambry Genetics
Classification: Likely benign for Hereditary cancer-predisposing syndrome. Last evaluated: 2026-03-17. Review status: criteria provided, single submitter. Criteria: Ambry Variant Classification Scheme 2023. Collection method: clinical testing. Allele origin: germline. Not counted in ClinVar's aggregate classification.

Center for Genomic Medicine, Rigshospitalet, Copenhagen University Hospital
Classification: Likely benign. Last evaluated: 2025-03-04. Review status: criteria provided, single submitter. Criteria: ACMG Guidelines, 2015. Collection method: clinical testing. Allele origin: germline. Not counted in ClinVar's aggregate classification.

Labcorp Genetics (formerly Invitae), Labcorp
Classification: Likely benign for Hereditary breast ovarian cancer syndrome. Last evaluated: 2020-12-06. Review status: criteria provided, single submitter. Criteria: Invitae Variant Classification Sherloc (09022015). Collection method: clinical testing. Allele origin: germline. Not counted in ClinVar's aggregate classification.

NM_000059.4(BRCA2):c.4626G>T (p.Val1542=)

Gene: BRCA2 (BRCA2 DNA repair associated; plus strand). Cytogenetic location: 13q13.1.
Variant type: single nucleotide variant.
Coding change: c.4626G>T on transcript NM_000059.4 (MANE Select); coding-DNA position 4626, G replaced by T.
Protein change: p.Val1542=; no amino-acid change (valine 1542 retained).
Molecular consequence: synonymous variant.
Genome position (GRCh38, 1-based): chr13:32,338,981, G>T. VCF-style: chr13-32338981-G-T. GRCh37 (hg19) VCF-style: chr13-32913118-G-T.
Identifiers: ClinVar variation 427485 (VCV000427485.14), dbSNP rs772004723, ClinGen allele CA6940800.